The following is an entry in ClinVar:

NM_014625.4(NPHS2):c.415C>A (p.Leu139Met)

Gene: NPHS2 (NPHS2 stomatin family member, podocin; minus strand). Cytogenetic location: 1q25.2.
Variant type: single nucleotide variant.
Coding change: c.415C>A on transcript NM_014625.4 (MANE Select); coding-DNA position 415, C replaced by A.
Protein change: p.Leu139Met; replaces leucine 139 with methionine.
Molecular consequence: missense variant.
Genome position (GRCh38, 1-based): chr1:179,561,325, G>T on the plus strand (C>A on the coding strand, the complement: NPHS2 is on the minus strand). VCF-style: chr1-179561325-G-T. GRCh37 (hg19) VCF-style: chr1-179530460-G-T.
Other names: c.415C>A, p.Leu139Met (NM_001297575.2); short protein forms L139M.
Identifiers: ClinVar variation 2147347 (VCV002147347.1), dbSNP rs200437667, ClinGen allele CA1267230.

ClinVar aggregate classification (germline): Uncertain significance (1 of 4 stars; one submission).

Allele frequency attached by ClinVar (database versions not stated): gnomAD exomes 0.00001; TOPMed 0.00002; gnomAD 0.00003; ExAC 0.00007; 1000 Genomes Project 30x 0.00016; 1000 Genomes Project 0.00020.
gnomAD v4.1: 29 of 1,613,370 alleles (0.0018%); highest among the groups gnomAD compares: East Asian, 0.058%; no homozygotes.

Submission:

Labcorp Genetics (formerly Invitae), Labcorp
Classification: Uncertain significance. Last evaluated: 2021-09-30. Review status: criteria provided, single submitter. Criteria: Invitae Variant Classification Sherloc (09022015). Collection method: clinical testing. Allele origin: germline.
Comment: This sequence change replaces leucine with methionine at codon 139 of the NPHS2 protein (p.Leu139Met). The leucine residue is highly conserved and there is a small physicochemical difference between leucine and methionine. This variant is present in population databases (rs200437667, ExAC 0.09%). This variant has not been reported in the literature in individuals affected with NPHS2-related conditions. Advanced modeling of protein sequence and biophysical properties (such as structural, functional, and spatial information, amino acid conservation, physicochemical variation, residue mobility, and thermodynamic stability) performed at Invitae indicates that this missense variant is expected to disrupt NPHS2 protein function. In summary, the available evidence is currently insufficient to determine the role of this variant in disease. Therefore, it has been classified as a Variant of Uncertain Significance.